The following is an entry in ClinVar:

ClinVar aggregate classification (germline): Uncertain significance. Review status: criteria provided, multiple submitters, no conflicts (2 of 4 stars). 2 submissions from 2 submitters: Uncertain significance (2). Last evaluated 2025-01-08.

Conditions:
Hereditary cancer-predisposing syndrome. Also called: Neoplastic Syndromes, Hereditary; Tumor predisposition; Hereditary Cancer Syndrome; Hereditary neoplastic syndrome. Identifiers: Orphanet 140162, MedGen C0027672, MeSH D009386, MONDO:0015356.

Submissions (2):

Ambry Genetics
Classification: Uncertain significance for Hereditary cancer-predisposing syndrome. Last evaluated: 2025-01-08. Review status: criteria provided, single submitter. Criteria: Ambry Variant Classification Scheme 2023. Collection method: clinical testing. Allele origin: germline.
Comment: The p.E80K variant (also known as c.238G>A), located in coding exon 2 of the NTHL1 gene, results from a G to A substitution at nucleotide position 238. The glutamic acid at codon 80 is replaced by lysine, an amino acid with similar properties. This amino acid position is not well conserved in available vertebrate species. In addition, this alteration is predicted to be tolerated by in silico analysis. Since supporting evidence is limited at this time, the clinical significance of this alteration remains unclear.

Labcorp Genetics (formerly Invitae), Labcorp
Classification: Uncertain significance. Last evaluated: 2022-04-18. Review status: criteria provided, single submitter. Criteria: Invitae Variant Classification Sherloc (09022015). Collection method: clinical testing. Allele origin: germline.
Comment: This sequence change replaces glutamic acid, which is acidic and polar, with lysine, which is basic and polar, at codon 80 of the NTHL1 protein (p.Glu80Lys). In summary, the available evidence is currently insufficient to determine the role of this variant in disease. Therefore, it has been classified as a Variant of Uncertain Significance. Algorithms developed to predict the effect of missense changes on protein structure and function output the following: SIFT: "Not Available"; PolyPhen-2: "Benign"; Align-GVGD: "Not Available". The lysine amino acid residue is found in multiple mammalian species, which suggests that this missense change does not adversely affect protein function. ClinVar contains an entry for this variant (Variation ID: 821197). This variant has not been reported in the literature in individuals affected with NTHL1-related conditions. This variant is not present in population databases (gnomAD no frequency).

NM_002528.7(NTHL1):c.214G>A (p.Glu72Lys)

Gene: NTHL1 (nth like DNA glycosylase 1; minus strand). Cytogenetic location: 16p13.3.
Variant type: single nucleotide variant.
Coding change: c.214G>A on transcript NM_002528.7 (MANE Select); coding-DNA position 214, G replaced by A.
Protein change: p.Glu72Lys; replaces glutamic acid 72 with lysine.
Molecular consequence: missense variant. On other transcripts: intron variant (1).
Genome position (GRCh38, 1-based): chr16:2,046,268, C>T on the plus strand (G>A on the coding strand, the complement: NTHL1 is on the minus strand). VCF-style: chr16-2046268-C-T. GRCh37 (hg19) VCF-style: chr16-2096269-C-T.
Other names: c.214G>A, p.Glu72Lys (NM_001318193.2); c.24+12G>A (NM_001318194.2); short protein forms E72K.
Identifiers: ClinVar variation 821197 (VCV000821197.10), dbSNP rs1596223150, ClinGen allele CA394297518.
Genomic context (GRCh38, chr16:2,046,268, plus strand): 5'-GGATGTTGACCAGCTGTTGCTGCCAGTCCTGGGGCTCCCAGACTGGCACCTTGAGGGGCT[C>T]AGCCCCCTCACCTTTCTCACTGTCCGAGCCCTCATAGGCCACACGCAGTCTCTGTGCTTT-3'
Protein context (NP_002519.2, residues 62-82): GSDSEKGEGA[Glu72Lys]PLKVPVWEPQ